The following is an entry in ClinVar:

ClinVar aggregate classification (germline): Likely benign. Review status: criteria provided, multiple submitters, no conflicts (2 of 4 stars). 4 submissions from 4 submitters: Likely benign (4). Last evaluated 2025-10-29.

Conditions:
Dilated cardiomyopathy 1G (CMD1G). Identifiers: Orphanet 154, MedGen C1858763, MONDO:0011400, OMIM 604145.
Autosomal recessive limb-girdle muscular dystrophy type 2J (LGMDR10). Also called: Limb-girdle muscular dystrophy, type 2J; MUSCULAR DYSTROPHY, LIMB-GIRDLE, AUTOSOMAL RECESSIVE 10. Identifiers: Orphanet 140922, MedGen C1837342, MONDO:0012127, OMIM 608807.
Cardiovascular phenotype. Identifiers: MedGen CN230736.

Allele frequency attached by ClinVar (database versions not stated): TOPMed below 0.00001; gnomAD 0.00001.
gnomAD v4.1: 1 of 1,612,778 alleles (0.000062%); highest among the groups gnomAD compares: Admixed American, 0.0017%; no homozygotes.

Submissions (4):

Labcorp Genetics (formerly Invitae), Labcorp
Classification: Likely benign for Dilated cardiomyopathy 1G; Autosomal recessive limb-girdle muscular dystrophy type 2J. Last evaluated: 2025-10-29. Review status: criteria provided, single submitter. Criteria: Invitae Variant Classification Sherloc (09022015). Collection method: clinical testing. Allele origin: germline.

Mayo Clinic Laboratories, Mayo Clinic
Classification: Likely benign. Last evaluated: 2025-06-16. Review status: criteria provided, single submitter. Criteria: ACMG Guidelines, 2015. Collection method: clinical testing. Allele origin: germline. Observed: 1 variant allele.
Comment: BP4, BP7

Ambry Genetics
Classification: Likely benign for Cardiovascular phenotype. Last evaluated: 2025-03-02. Review status: criteria provided, single submitter. Criteria: Ambry Variant Classification Scheme 2023. Collection method: clinical testing. Allele origin: germline.

CeGaT Center for Human Genetics Tuebingen
Classification: Likely benign. Last evaluated: 2023-09-01. Review status: criteria provided, single submitter. Criteria: CeGaT Center For Human Genetics Tuebingen Variant Classification Criteria Version 2. Collection method: clinical testing. Allele origin: germline. Affected: yes. Observed: 1 variant allele.
Comment: TTN: PM2:Supporting, BP4, BP7

NM_001267550.2(TTN):c.59352T>C (p.Pro19784=)

Genes: TTN-AS1 (TTN antisense RNA 1; plus strand), TTN (titin; minus strand), LOC126806424 (CDK7 strongly-dependent group 2 enhancer GRCh37_chr2:179456337-179457536; plus strand). Cytogenetic location: 2q31.2.
Variant type: single nucleotide variant.
Coding change: c.59352T>C on transcript NM_001267550.2 (MANE Select); coding-DNA position 59352, T replaced by C.
Protein change: p.Pro19784=; no amino-acid change (proline 19784 retained).
Molecular consequence: synonymous variant.
Genome position (GRCh38, 1-based): chr2:178,592,653, A>G on the plus strand (T>C on the coding strand, the complement: TTN is on the minus strand). VCF-style: chr2-178592653-A-G. GRCh37 (hg19) VCF-style: chr2-179457380-A-G.
Other names: p.Pro17216=; c.54429T>C, p.Pro18143= (NM_001256850.1); c.32157T>C, p.Pro10719= (NM_003319.4); c.51648T>C, p.Pro17216= (NM_133378.4); c.32532T>C, p.Pro10844= (NM_133432.3); c.32733T>C, p.Pro10911= (NM_133437.4).
Identifiers: ClinVar variation 1630544 (VCV001630544.38), dbSNP rs1377168112, ClinGen allele CA430267246.